The following is an entry in ClinVar:

ClinVar aggregate classification (germline): Uncertain significance (1 of 4 stars; one submission).

Conditions:
Primary ciliary dyskinesia. Also called: Ciliary dyskinesia. Identifiers: Orphanet 244, MedGen C0008780, MONDO:0016575, HP:0012265.

Allele frequency attached by ClinVar (database versions not stated): TOPMed below 0.00001; ExAC 0.00002; gnomAD exomes 0.00002.

Submission:

Labcorp Genetics (formerly Invitae), Labcorp
Classification: Uncertain significance for Primary ciliary dyskinesia. Last evaluated: 2018-12-24. Review status: criteria provided, single submitter. Criteria: Invitae Variant Classification Sherloc (09022015). Collection method: clinical testing. Allele origin: germline.
Comment: This sequence change replaces arginine with histidine at codon 143 of the ZMYND10 protein (p.Arg143His). The arginine residue is highly conserved and there is a small physicochemical difference between arginine and histidine. This variant is present in population databases (rs747944767, ExAC 0.02%). This variant has not been reported in the literature in individuals with ZMYND10-related conditions. Algorithms developed to predict the effect of missense changes on protein structure and function are either unavailable or do not agree on the potential impact of this missense change (SIFT: "Deleterious"; PolyPhen-2: "Probably Damaging"; Align-GVGD: "Class C0"). In summary, the available evidence is currently insufficient to determine the role of this variant in disease. Therefore, it has been classified as a Variant of Uncertain Significance.

NM_015896.4(ZMYND10):c.428G>A (p.Arg143His)

Gene: ZMYND10 (zinc finger MYND-type containing 10; minus strand). Cytogenetic location: 3p21.31.
Variant type: single nucleotide variant.
Coding change: c.428G>A on transcript NM_015896.4 (MANE Select); coding-DNA position 428, G replaced by A.
Protein change: p.Arg143His; replaces arginine 143 with histidine.
Molecular consequence: missense variant.
Genome position (GRCh38, 1-based): chr3:50,343,389, C>T on the plus strand (G>A on the coding strand, the complement: ZMYND10 is on the minus strand). VCF-style: chr3-50343389-C-T. GRCh37 (hg19) VCF-style: chr3-50380820-C-T.
Other names: c.428G>A, p.Arg143His (NM_001308379.2); short protein forms R143H.
Identifiers: ClinVar variation 662765 (VCV000662765.1), dbSNP rs747944767, ClinGen allele CA2417213.
Genomic context (GRCh38, chr3:50,343,389, plus strand): 5'-GATCCCTCCCCCTCAGGGGGGCCACCACAGCCACTCTGGGCCACCAGCAGGGTCAGTTTG[C>T]GGTGGCAATAGTCTACCAAGTCCAAGACAGTGTCTTCTGCTGACTCACACACCTCCTGGG-3'
Protein context (NP_056980.2, residues 133-153): TVLDLVDYCH[Arg143His]KLTLLVAQSG